The following is an entry in ClinVar:

ClinVar aggregate classification (germline): Uncertain significance. Review status: criteria provided, multiple submitters, no conflicts (2 of 4 stars). 2 submissions from 2 submitters: Uncertain significance (2). Last evaluated 2024-05-29.

Conditions:
Schuurs-Hoeijmakers syndrome. Also called: PACS1-Related Neurodevelopmental Disorder. Identifiers: Orphanet 329224, MedGen C3554343, MONDO:0014006, OMIM 615009.

gnomAD v4.1: 2 of 1,613,318 alleles (0.00012%); highest among the groups gnomAD compares: Admixed American, 0.0033%; no homozygotes.

Submissions (2):

Labcorp Genetics (formerly Invitae), Labcorp
Classification: Uncertain significance for Schuurs-Hoeijmakers syndrome. Last evaluated: 2024-05-29. Review status: criteria provided, single submitter. Criteria: Invitae Variant Classification Sherloc (09022015). Collection method: clinical testing. Allele origin: germline.
Comment: This sequence change falls in intron 9 of the PACS1 gene. It does not directly change the encoded amino acid sequence of the PACS1 protein. It affects a nucleotide within the consensus splice site. This variant is present in population databases (no rsID available, gnomAD 0.006%). This variant has not been reported in the literature in individuals affected with PACS1-related conditions. ClinVar contains an entry for this variant (Variation ID: 2185248). Variants that disrupt the consensus splice site are a relatively common cause of aberrant splicing (PMID: 17576681, 9536098). Algorithms developed to predict the effect of sequence changes on RNA splicing suggest that this variant may disrupt the consensus splice site. In summary, the available evidence is currently insufficient to determine the role of this variant in disease. Therefore, it has been classified as a Variant of Uncertain Significance.

Clinical Genomics Laboratory, Washington University in St. Louis
Classification: Uncertain significance for Schuurs-Hoeijmakers syndrome. Last evaluated: 2023-07-21. Review status: criteria provided, single submitter. Criteria: ACMG Guidelines, 2015. Collection method: clinical testing. Allele origin: germline.
Comment: The PACS1 c.1199+5G>A variant, to our knowledge, has not been reported in the medical literature but has been reported in the ClinVar database as a germline variant of uncertain significance. This variant is only observed on 2/248,882 alleles in the general population (gnomAD v.2.1.1), indicating it is not a common variant. Computational predictors indicate that the variant may alter splicing, evidence that correlates with impact to PACS1 function. Due to limited information, and based on ACMG/AMP guidelines for variant interpretation (Richards S et al., PMID: 25741868), the clinical significance of this variant is uncertain at this time.

Literature cited by the submitters: PubMed 17576681 (cited by Labcorp Genetics (formerly Invitae), Labcorp); PubMed 9536098 (cited by Labcorp Genetics (formerly Invitae), Labcorp).

NM_018026.4(PACS1):c.1199+5G>A

Gene: PACS1 (phosphofurin acidic cluster sorting protein 1; plus strand). Cytogenetic location: 11q13.2.
Variant type: single nucleotide variant.
Coding change: c.1199+5G>A on transcript NM_018026.4 (MANE Select); 5 bases into the intron after coding-DNA position 1199, G replaced by A.
Molecular consequence: intron variant.
Genome position (GRCh38, 1-based): chr11:66,220,796, G>A. VCF-style: chr11-66220796-G-A. GRCh37 (hg19) VCF-style: chr11-65988267-G-A.
Identifiers: ClinVar variation 2185248 (VCV002185248.4), dbSNP rs1425499409, ClinGen allele CA599857009.